The following is an entry in ClinVar:

ClinVar aggregate classification (germline): Conflicting classifications of pathogenicity. Review status: criteria provided, conflicting classifications (1 of 4 stars). 4 submissions from 4 submitters: Likely pathogenic (1); Uncertain significance (2). 1 of the submissions does not count toward it. Last evaluated 2024-11-25.

Conditions:
Renal-hepatic-pancreatic dysplasia 1 (RHPD1). Identifiers: MedGen C3715199, MONDO:0008833, OMIM 208540.
Nephronophthisis 3 (NPHP3). Also called: Adolescent nephronophthisis. Identifiers: Orphanet 655, MedGen C1858392, MONDO:0011456, OMIM 604387.
NPHP3-related Meckel-like syndrome. Also called: GOLDSTON SYNDROME; Meckel syndrome type 7. Identifiers: Orphanet 3032, MedGen C2673885, MONDO:0009966, OMIM 267010.

Allele frequency attached by ClinVar (database versions not stated): gnomAD 0.00001; gnomAD exomes 0.00001 and 0.00002; ExAC 0.00002; TOPMed 0.00002.
gnomAD v4.1: 19 of 1,613,816 alleles (0.0012%); highest among the groups gnomAD compares: Non-Finnish European, 0.0015%; no homozygotes.

Submissions (4):

Blueprint Genetics
Classification: Uncertain significance. Last evaluated: 2024-11-25. Review status: criteria provided, single submitter. Criteria: ACMG Guidelines, 2015. Collection method: clinical testing. Allele origin: germline.

Fulgent Genetics
Classification: Likely pathogenic for Renal-hepatic-pancreatic dysplasia 1; NPHP3-related Meckel-like syndrome; Nephronophthisis 3. Last evaluated: 2024-06-22. Review status: criteria provided, single submitter. Criteria: ACMG Guidelines, 2015. Collection method: clinical testing. Allele origin: germline.

GeneDx
Classification: Uncertain significance. Last evaluated: 2021-04-16. Review status: criteria provided, single submitter. Criteria: GeneDx Variant Classification Process June 2021. Collection method: clinical testing. Allele origin: germline. Affected: yes.
Comment: Not observed at a significant frequency in large population cohorts (Lek et al., 2016); In silico analysis supports that this missense variant has a deleterious effect on protein structure/function; Has not been previously published as pathogenic or benign to our knowledge; This variant is associated with the following publications: (PMID: 31589614)

Gharavi Laboratory, Columbia University
Classification: Likely pathogenic. Last evaluated: 2018-09-16. Review status: no assertion criteria provided. Criteria: ACMG Guidelines, 2015. Collection method: research. Allele origin: germline. Affected: yes. Not counted in ClinVar's aggregate classification.

NM_153240.5(NPHP3):c.3287T>C (p.Leu1096Pro)

Genes: NPHP3 (nephrocystin 3; minus strand), NPHP3-ACAD11 (NPHP3-ACAD11 readthrough (NMD candidate); minus strand). Cytogenetic location: 3q22.1.
Variant type: single nucleotide variant.
Coding change: c.3287T>C on transcript NM_153240.5 (MANE Select); coding-DNA position 3287, T replaced by C.
Protein change: p.Leu1096Pro; replaces leucine 1096 with proline.
Molecular consequence: missense variant. On other transcripts: non-coding transcript variant (1).
Genome position (GRCh38, 1-based): chr3:132,686,302, A>G on the plus strand (T>C on the coding strand, the complement: NPHP3 is on the minus strand). VCF-style: chr3-132686302-A-G. GRCh37 (hg19) VCF-style: chr3-132405146-A-G.
Other names: short protein forms L1096P.
Identifiers: ClinVar variation 562245 (VCV000562245.5), dbSNP rs777276873, ClinGen allele CA2621786.